The following is an entry in ClinVar:

ClinVar aggregate classification (germline): Uncertain significance (1 of 4 stars; one submission).

gnomAD v4.1: 2 of 1,613,418 alleles (0.00012%); highest among the groups gnomAD compares: East Asian, 0.0045%; no homozygotes.

Submission:

Labcorp Genetics (formerly Invitae), Labcorp
Classification: Uncertain significance. Last evaluated: 2025-06-20. Review status: criteria provided, single submitter. Criteria: Invitae Variant Classification Sherloc (09022015). Collection method: clinical testing. Allele origin: germline.
Comment: This sequence change replaces proline, which is neutral and non-polar, with serine, which is neutral and polar, at codon 389 of the MMP9 protein (p.Pro389Ser). This variant is not present in population databases (gnomAD no frequency). This variant has not been reported in the literature in individuals affected with MMP9-related conditions. ClinVar contains an entry for this variant (Variation ID: 3695470). Invitae Evidence Modeling of protein sequence and biophysical properties (such as structural, functional, and spatial information, amino acid conservation, physicochemical variation, residue mobility, and thermodynamic stability) indicates that this missense variant is not expected to disrupt MMP9 protein function with a negative predictive value of 80%. In summary, the available evidence is currently insufficient to determine the role of this variant in disease. Therefore, it has been classified as a Variant of Uncertain Significance.

NM_004994.3(MMP9):c.1165C>T (p.Pro389Ser)

Gene: MMP9 (matrix metallopeptidase 9; plus strand). Cytogenetic location: 20q13.12.
Variant type: single nucleotide variant.
Coding change: c.1165C>T on transcript NM_004994.3 (MANE Select); coding-DNA position 1165, C replaced by T.
Protein change: p.Pro389Ser; replaces proline 389 with serine.
Molecular consequence: missense variant.
Genome position (GRCh38, 1-based): chr20:46,012,304, C>T. VCF-style: chr20-46012304-C-T. GRCh37 (hg19) VCF-style: chr20-44640943-C-T.
Other names: short protein forms P389S.
Identifiers: ClinVar variation 3695470 (VCV003695470.2).